The following is an entry in ClinVar:

ClinVar aggregate classification (germline): Uncertain significance (1 of 4 stars; one submission).

Conditions:
Hypertrophic cardiomyopathy 20. Identifiers: MedGen C3151267, MONDO:0013477, OMIM 613876.
Dilated cardiomyopathy 1CC (CMD1CC). Identifiers: Orphanet 154, MedGen C2751084, MONDO:0013147, OMIM 613122.

Submission:

Labcorp Genetics (formerly Invitae), Labcorp
Classification: Uncertain significance for Dilated cardiomyopathy 1CC; Hypertrophic cardiomyopathy 20. Last evaluated: 2022-02-22. Review status: criteria provided, single submitter. Criteria: Invitae Variant Classification Sherloc (09022015). Collection method: clinical testing. Allele origin: germline.
Comment: This variant has not been reported in the literature in individuals affected with NEXN-related conditions. This variant is not present in population databases (gnomAD no frequency). This sequence change results in a frameshift in the NEXN gene (p.Thr644Leufs*42). While this is not anticipated to result in nonsense mediated decay, it is expected to disrupt the last 32 amino acid(s) of the NEXN protein and extend the protein by 9 additional amino acid residues. In summary, the available evidence is currently insufficient to determine the role of this variant in disease. Therefore, it has been classified as a Variant of Uncertain Significance. Experimental studies and prediction algorithms are not available or were not evaluated, and the functional significance of this variant is currently unknown.

NM_144573.4(NEXN):c.1930del (p.Thr644fs)

Gene: NEXN (nexilin F-actin binding protein; plus strand). Cytogenetic location: 1p31.1.
Variant type: Deletion.
Coding change: c.1930del on transcript NM_144573.4 (MANE Select); coding-DNA position 1930, one base deleted (A; older notation c.1930delA).
Protein change: p.Thr644fs; shifts the reading frame from threonine 644.
Molecular consequence: frameshift variant.
Genome position (GRCh38, 1-based): chr1:77,942,731, A deleted; the last of 3 consecutive A bases (chr1:77,942,729-77,942,731); deleting any one gives the same sequence. VCF-style (leftmost placement, unchanged base first): chr1-77942728-GA-G. GRCh37 (hg19) VCF-style: chr1-78408413-GA-G.
Other names: c.1738del, p.Thr580fs (NM_001172309.2); short protein forms T580fs, T644fs.
Identifiers: ClinVar variation 2101517 (VCV002101517.4), dbSNP rs2523312219, ClinGen allele CA2580063261.